The following is an entry in ClinVar:

NM_000138.5(FBN1):c.258_260delinsCT (p.His87fs)

Gene: FBN1 (fibrillin 1; minus strand). Cytogenetic location: 15q21.1.
Variant type: Indel.
Coding change: c.258_260delinsCT on transcript NM_000138.5 (MANE Select); coding-DNA positions 258 to 260, GCA replaced by CT.
Protein change: p.His87fs; shifts the reading frame from histidine 87.
Molecular consequence: frameshift variant.
Genome position (GRCh38, 1-based): chr15:48,610,814-48,610,816, TGC replaced by AG on the plus strand (GCA replaced by CT on the coding strand, the reverse complement: FBN1 is on the minus strand). VCF-style: chr15-48610814-TGC-AG. GRCh37 (hg19) VCF-style: chr15-48903011-TGC-AG.
Other names: c.258_260delGCAinsCT (NM_000138.4); short protein forms H87fs.
Identifiers: ClinVar variation 519706 (VCV000519706.5), dbSNP rs1555405534, ClinGen allele CA658798368.

ClinVar aggregate classification (germline): Pathogenic (1 of 4 stars; one submission).

Conditions:
Familial thoracic aortic aneurysm and aortic dissection (TAAD). Also called: Thoracic aortic aneurysms and dissections. Identifiers: Orphanet 91387, MedGen C4707243, MONDO:0019625.

Submission:

Ambry Genetics
Classification: Pathogenic for Familial thoracic aortic aneurysm and aortic dissection. Last evaluated: 2016-04-01. Review status: criteria provided, single submitter. Criteria: Ambry Variant Classification Scheme 2023. Collection method: clinical testing. Allele origin: germline.
Comment: The c.258_260delGCAinsCT pathogenic mutation, located in coding exon 3 of the FBN1 gene, results from the deletion of three nucleotides and the insertion of two nucleotides causing a translational frameshift with a predicted alternate stop codon (p.H87Ffs*21). Since frameshifts are typically deleterious in nature, this alteration is interpreted as a disease-causing mutation (ACMG Recommendations for Standards for Interpretation and Reporting of Sequence Variations. Revision 2007. Genet Med. 2008;10:294).